The following is an entry in ClinVar:

NM_024426.6(WT1):c.1448-6C>G

Gene: WT1 (WT1 transcription factor; minus strand). Cytogenetic location: 11p13.
Variant type: single nucleotide variant.
Coding change: c.1448-6C>G on transcript NM_024426.6 (MANE Select); 6 bases into the intron before coding-DNA position 1448, C replaced by G.
Molecular consequence: intron variant.
Genome position (GRCh38, 1-based): chr11:32,389,185, G>C on the plus strand (C>G on the coding strand, the complement: WT1 is on the minus strand). VCF-style: chr11-32389185-G-C. GRCh37 (hg19) VCF-style: chr11-32410731-G-C.
Other names: c.1274-6C>G (NM_001407050.1); c.1316-6C>G (NM_001407047.1); c.1307-6C>G (NM_001407048.1); c.1304-6C>G (NM_001407049.1); c.1388-6C>G (NM_000378.6); c.1397-6C>G (NM_001407045.1); c.1433-6C>G (NM_001407044.1); c.1355-6C>G (NM_001407046.1); and 5 more.
Identifiers: ClinVar variation 2032634 (VCV002032634.4), dbSNP rs2132900146, ClinGen allele CA2580084081.

ClinVar aggregate classification (germline): Uncertain significance (1 of 4 stars; one submission).

Conditions:
Frasier syndrome. Identifiers: Orphanet 347, MedGen C0950122, MeSH D052159, MONDO:0007635, OMIM 136680.
Wilms tumor 1 (WT1). Also called: Wilms tumor, somatic. Identifiers: Orphanet 654, MedGen CN033288, MONDO:0008679, OMIM 194070.
11p partial monosomy syndrome (WAGR). Also called: CHROMOSOME 11p13 DELETION SYNDROME; WAGR Spectrum Disorder; WAGR syndrome; WAGR Complex. Identifiers: Orphanet 893, MedGen C0206115, MONDO:0008681, OMIM 194072.
Drash syndrome (DDS). Also called: NEPHROPATHY, WILMS TUMOR, AND GENITAL ANOMALIES; WILMS TUMOR AND PSEUDO- OR TRUE HERMAPHRODITISM. Identifiers: Orphanet 220, MedGen C0950121, MONDO:0008682, OMIM 194080.

Submission:

Labcorp Genetics (formerly Invitae), Labcorp
Classification: Uncertain significance for Wilms tumor 1; Drash syndrome; 11p partial monosomy syndrome; Frasier syndrome. Last evaluated: 2022-09-26. Review status: criteria provided, single submitter. Criteria: Invitae Variant Classification Sherloc (09022015). Collection method: clinical testing. Allele origin: germline.
Comment: In summary, the available evidence is currently insufficient to determine the role of this variant in disease. Therefore, it has been classified as a Variant of Uncertain Significance. Algorithms developed to predict the effect of sequence changes on RNA splicing suggest that this variant may create or strengthen a splice site. This variant has not been reported in the literature in individuals affected with WT1-related conditions. This variant is not present in population databases (gnomAD no frequency). This sequence change falls in intron 9 of the WT1 gene. It does not directly change the encoded amino acid sequence of the WT1 protein.